The following is an entry in ClinVar:

ClinVar aggregate classification (germline): Likely benign (0 of 4 stars; one submission).

Conditions:
SEMA3D-related disorder. Also called: SEMA3D-related condition.

gnomAD v4.1: 76 of 1,557,042 alleles (0.0049%); highest among the groups gnomAD compares: Non-Finnish European, 0.0062%; no homozygotes.

Submission:

PreventionGenetics, part of Exact Sciences
Classification: Likely benign for SEMA3D-related condition. Last evaluated: 2024-02-12. Review status: no assertion criteria provided. Collection method: clinical testing. Allele origin: germline.
Comment: This variant is classified as likely benign based on ACMG/AMP sequence variant interpretation guidelines (Richards et al. 2015 PMID: 25741868, with internal and published modifications).

NM_001384900.1(SEMA3D):c.825T>C (p.Asp275=)

Gene: SEMA3D (semaphorin 3D; minus strand). Cytogenetic location: 7q21.11.
Variant type: single nucleotide variant.
Coding change: c.825T>C on transcript NM_001384900.1 (MANE Select); coding-DNA position 825, T replaced by C.
Protein change: p.Asp275=; no amino-acid change (aspartic acid 275 retained).
Molecular consequence: synonymous variant.
Genome position (GRCh38, 1-based): chr7:85,055,753, A>G on the plus strand (T>C on the coding strand, the complement: SEMA3D is on the minus strand). VCF-style: chr7-85055753-A-G. GRCh37 (hg19) VCF-style: chr7-84685069-A-G.
Other names: c.825T>C, p.Asp275= (NM_001384901.1, NM_001384902.1, NM_001384903.1 and 1 more transcripts).
Identifiers: ClinVar variation 3358576 (VCV003358576.1).